The following is an entry in ClinVar:

NM_020975.6(RET):c.-6C>T

Genes: RET (ret proto-oncogene; plus strand), LOC106736614 (RET 5' regulatory region; plus strand). Cytogenetic location: 10q11.21.
Variant type: single nucleotide variant.
Coding change: c.-6C>T on transcript NM_020975.6 (MANE Select); 6 bases upstream of the start codon, C replaced by T.
Molecular consequence: 5 prime UTR variant.
Genome position (GRCh38, 1-based): chr10:43,077,253, C>T. VCF-style: chr10-43077253-C-T. GRCh37 (hg19) VCF-style: chr10-43572701-C-T.
Other names: c.-6C>T (NM_000323.2, NM_001406743.1, NM_001406744.1 and 38 more transcripts).
Identifiers: ClinVar variation 1321691 (VCV001321691.4), dbSNP rs1261228095, ClinGen allele CA2573053270.
Genomic context (GRCh38, chr10:43,077,253, plus strand): 5'-CCCGCCATCCAGACCCGCCGGCCCTAGCCGCAGTCCCTCCAGCCGTGGCCCCAGCGCGCA[C>T]GGGCGATGGCGAAGGCGACGTCCGGTGCCGCGGGGCTGCGTCTGCTGTTGCTGCTGCTGC-3'

ClinVar aggregate classification (germline): Uncertain significance (1 of 4 stars; one submission).

Submission:

GeneDx
Classification: Uncertain significance. Last evaluated: 2021-05-13. Review status: criteria provided, single submitter. Criteria: GeneDx Variant Classification Process June 2021. Collection method: clinical testing. Allele origin: germline. Affected: yes.
Comment: Describes a nucleotide substitution 6 base pairs upstream of the ATG translational start site of the RET gene, occurring in the Kozak sequence, the conserved nucleotides just upstream of the ATG start codon, which play a major role in the initiation of translation; Has not been previously published as pathogenic or benign to our knowledge; Not observed in large population cohorts (Lek 2016)